The following is an entry in ClinVar:

NM_000051.4(ATM):c.5830G>C (p.Val1944Leu)

Genes: ATM (ATM serine/threonine kinase; plus strand), C11orf65 (chromosome 11 open reading frame 65; minus strand). Cytogenetic location: 11q22.3.
Variant type: single nucleotide variant.
Coding change: c.5830G>C on transcript NM_000051.4 (MANE Select); coding-DNA position 5830, G replaced by C.
Protein change: p.Val1944Leu; replaces valine 1944 with leucine.
Molecular consequence: missense variant. On other transcripts: intron variant (2).
Genome position (GRCh38, 1-based): chr11:108,310,227, G>C. VCF-style: chr11-108310227-G-C. GRCh37 (hg19) VCF-style: chr11-108180954-G-C.
Other names: c.5830G>C, p.Val1944Leu (NM_001351834.2); c.641-1156C>G (NM_001330368.2); c.*39-1156C>G (NM_001351110.2); short protein forms V1944L.
Identifiers: ClinVar variation 482537 (VCV000482537.14), dbSNP rs1555110379, ClinGen allele CA382548416.

ClinVar aggregate classification (germline): Uncertain significance. Review status: criteria provided, multiple submitters, no conflicts (2 of 4 stars). 4 submissions from 4 submitters: Uncertain significance (4). Last evaluated 2024-09-29.

Conditions:
Hereditary cancer-predisposing syndrome. Also called: Neoplastic Syndromes, Hereditary; Hereditary Cancer Syndrome; Tumor predisposition; Hereditary neoplastic syndrome. Identifiers: Orphanet 140162, MedGen C0027672, MeSH D009386, MONDO:0015356.
Ataxia-telangiectasia syndrome (AT). Also called: LOUIS-BAR SYNDROME; Cerebello-oculocutaneous telangiectasia; Immunodeficiency with ataxia telangiectasia; Ataxia-telangiectasia, complementation group D; AT, COMPLEMENTATION GROUP C; Ataxia-telangiectasia, complementation group E. Identifiers: Orphanet 100, MedGen C0004135, MONDO:0008840, OMIM 208900.
Familial cancer of breast. Also called: Hereditary breast cancer; BREAST CANCER, FAMILIAL; hereditary breast carcinoma. Identifiers: Orphanet 227535, MedGen C0346153, MONDO:0016419, OMIM 114480. Disease mechanism: loss of function.

Allele frequency attached by ClinVar (database versions not stated): gnomAD exomes below 0.00001.
gnomAD v4.1: 2 of 1,613,602 alleles (0.00012%); highest among the groups gnomAD compares: Non-Finnish European, 0.00017%; no homozygotes.

Submissions (4):

Labcorp Genetics (formerly Invitae), Labcorp
Classification: Uncertain significance for Ataxia-telangiectasia syndrome. Last evaluated: 2024-09-29. Review status: criteria provided, single submitter. Criteria: Invitae Variant Classification Sherloc (09022015). Collection method: clinical testing. Allele origin: germline.
Comment: This sequence change replaces valine, which is neutral and non-polar, with leucine, which is neutral and non-polar, at codon 1944 of the ATM protein (p.Val1944Leu). This variant is not present in population databases (gnomAD no frequency). This variant has not been reported in the literature in individuals affected with ATM-related conditions. ClinVar contains an entry for this variant (Variation ID: 482537). An algorithm developed to predict the effect of missense changes on protein structure and function (PolyPhen-2) suggests that this variant is likely to be tolerated. In summary, the available evidence is currently insufficient to determine the role of this variant in disease. Therefore, it has been classified as a Variant of Uncertain Significance.

Ambry Genetics
Classification: Uncertain significance for Hereditary cancer-predisposing syndrome. Last evaluated: 2024-03-06. Review status: criteria provided, single submitter. Criteria: Ambry Variant Classification Scheme 2023. Collection method: clinical testing. Allele origin: germline.
Comment: The p.V1944L variant (also known as c.5830G>C), located in coding exon 38 of the ATM gene, results from a G to C substitution at nucleotide position 5830. The valine at codon 1944 is replaced by leucine, an amino acid with highly similar properties. This amino acid position is not well conserved in available vertebrate species. In addition, this alteration is predicted to be tolerated by in silico analysis. Since supporting evidence is limited at this time, the clinical significance of this alteration remains unclear.

Baylor Genetics
Classification: Uncertain significance for Familial cancer of breast. Last evaluated: 2023-09-21. Review status: criteria provided, single submitter. Criteria: ACMG Guidelines, 2015. Collection method: clinical testing. Allele origin: unknown.

GeneDx
Classification: Uncertain significance. Last evaluated: 2023-09-14. Review status: criteria provided, single submitter. Criteria: GeneDx Variant Classification Process June 2021. Collection method: clinical testing. Allele origin: germline. Affected: yes.
Comment: Not observed at significant frequency in large population cohorts (gnomAD); In silico analysis supports that this missense variant does not alter protein structure/function; Has not been previously published as pathogenic or benign to our knowledge